The following is an entry in ClinVar:

NM_006767.4(LZTR1):c.1376A>G (p.His459Arg)

Gene: LZTR1 (leucine zipper like post translational regulator 1; plus strand). Cytogenetic location: 22q11.21.
Variant type: single nucleotide variant.
Coding change: c.1376A>G on transcript NM_006767.4 (MANE Select); coding-DNA position 1376, A replaced by G.
Protein change: p.His459Arg; replaces histidine 459 with arginine.
Molecular consequence: missense variant.
Genome position (GRCh38, 1-based): chr22:20,993,946, A>G. VCF-style: chr22-20993946-A-G. GRCh37 (hg19) VCF-style: chr22-21348235-A-G.
Other names: c.1376A>G (NM_006767.3); short protein forms H459R.
Identifiers: ClinVar variation 2061038 (VCV002061038.5), dbSNP rs765674223, ClinGen allele CA10118862.
Genomic context (GRCh38, chr22:20,993,946, plus strand): 5'-GTCCTGTGCCCTCTGCCAGTGCATCATTCTTTGTGCAGAAGGAGGAGTGCGTGCAGGGCC[A>G]CGTAGCCATTGTCACAGCGCGGAGCCGCTGGCTTCGCAGGAAGATCACGCAGGCGCGGGA-3'
Protein context (NP_006758.2, residues 449-469): LGEKEECVQG[His459Arg]VAIVTARSRW

ClinVar aggregate classification (germline): Uncertain significance. Review status: criteria provided, multiple submitters, no conflicts (2 of 4 stars). 2 submissions from 2 submitters: Uncertain significance (2). Last evaluated 2024-05-06.

Conditions:
Hereditary cancer-predisposing syndrome. Also called: Tumor predisposition; Hereditary neoplastic syndrome; Neoplastic Syndromes, Hereditary; Hereditary Cancer Syndrome. Identifiers: Orphanet 140162, MedGen C0027672, MeSH D009386, MONDO:0015356.
Cardiovascular phenotype. Identifiers: MedGen CN230736.

Allele frequency attached by ClinVar (database versions not stated): ExAC 0.00002.
gnomAD v4.1: 7 of 1,612,596 alleles (0.00043%); highest among the groups gnomAD compares: Non-Finnish European, 0.00051%; no homozygotes.

Submissions (2):

Labcorp Genetics (formerly Invitae), Labcorp
Classification: Uncertain significance. Last evaluated: 2024-05-06. Review status: criteria provided, single submitter. Criteria: Invitae Variant Classification Sherloc (09022015). Collection method: clinical testing. Allele origin: germline.
Comment: This sequence change replaces histidine, which is basic and polar, with arginine, which is basic and polar, at codon 459 of the LZTR1 protein (p.His459Arg). This variant is present in population databases (rs765674223, gnomAD 0.002%). This variant has not been reported in the literature in individuals affected with LZTR1-related conditions. ClinVar contains an entry for this variant (Variation ID: 2061038). Advanced modeling of protein sequence and biophysical properties (such as structural, functional, and spatial information, amino acid conservation, physicochemical variation, residue mobility, and thermodynamic stability) performed at Invitae indicates that this missense variant is not expected to disrupt LZTR1 protein function with a negative predictive value of 80%. In summary, the available evidence is currently insufficient to determine the role of this variant in disease. Therefore, it has been classified as a Variant of Uncertain Significance.

Ambry Genetics
Classification: Uncertain significance for Cardiovascular phenotype; Hereditary cancer-predisposing syndrome. Last evaluated: 2024-02-04. Review status: criteria provided, single submitter. Criteria: Ambry Variant Classification Scheme 2023. Collection method: clinical testing. Allele origin: germline.
Comment: The p.H459R variant (also known as c.1376A>G), located in coding exon 13 of the LZTR1 gene, results from an A to G substitution at nucleotide position 1376. The histidine at codon 459 is replaced by arginine, an amino acid with highly similar properties. This amino acid position is conserved. In addition, this alteration is predicted to be deleterious by in silico analysis. Based on the available evidence, the clinical significance of this alteration remains unclear.